The following is an entry in ClinVar:

NM_000937.5(POLR2A):c.2266G>A (p.Ala756Thr)

Gene: POLR2A (RNA polymerase II subunit A; plus strand). Cytogenetic location: 17p13.1.
Variant type: single nucleotide variant.
Coding change: c.2266G>A on transcript NM_000937.5 (MANE Select); coding-DNA position 2266, G replaced by A.
Protein change: p.Ala756Thr; replaces alanine 756 with threonine.
Molecular consequence: missense variant.
Genome position (GRCh38, 1-based): chr17:7,501,646, G>A. VCF-style: chr17-7501646-G-A. GRCh37 (hg19) VCF-style: chr17-7404965-G-A.
Other names: short protein forms A756T.
Identifiers: ClinVar variation 1285504 (VCV001285504.2), dbSNP rs2150882887, ClinGen allele CA397886680.

ClinVar aggregate classification (germline): Uncertain significance (1 of 4 stars; one submission).

Conditions:
Neurodevelopmental disorder with hypotonia and variable intellectual and behavioral abnormalities. Identifiers: MedGen C5231423, MONDO:0032829, OMIM 618603.

Submission:

Institute of Human Genetics, University of Leipzig Medical Center
Classification: Uncertain significance for Neurodevelopmental disorder with hypotonia and variable intellectual and behavioral abnormalities. Last evaluated: 2021-08-18. Review status: criteria provided, single submitter. Criteria: ACMG Guidelines, 2015. Collection method: clinical testing. Allele origin: de novo. Affected: yes.
Comment: This variant was identified as de novo (maternity and paternity confirmed).